The following is an entry in ClinVar:

NM_001267550.2(TTN):c.20742T>A (p.Phe6914Leu)

Gene: TTN (titin; minus strand). Cytogenetic location: 2q31.2.
Variant type: single nucleotide variant.
Coding change: c.20742T>A on transcript NM_001267550.2 (MANE Select); coding-DNA position 20742, T replaced by A.
Protein change: p.Phe6914Leu; replaces phenylalanine 6914 with leucine.
Molecular consequence: missense variant. On other transcripts: intron variant (3).
Genome position (GRCh38, 1-based): chr2:178,725,462, A>T on the plus strand (T>A on the coding strand, the complement: TTN is on the minus strand). VCF-style: chr2-178725462-A-T. GRCh37 (hg19) VCF-style: chr2-179590189-A-T.
Other names: c.13282+12620T>A (NM_003319.4); c.13858+12620T>A (NM_133437.4); c.13657+12620T>A (NM_133432.3); c.19791T>A, p.Phe6597Leu (NM_001256850.1); c.17010T>A, p.Phe5670Leu (NM_133378.4); short protein forms F6914L, F5670L, F6597L.
Identifiers: ClinVar variation 46673 (VCV000046673.7), dbSNP rs397517495, ClinGen allele CA138922.

ClinVar aggregate classification (germline): Uncertain significance. Review status: criteria provided, multiple submitters, no conflicts (2 of 4 stars). 3 submissions from 3 submitters: Uncertain significance (3). Last evaluated 2022-02-15.

Conditions:
Hypertrophic cardiomyopathy 9. Also called: Familial hypertrophic cardiomyopathy 9. Identifiers: MedGen C1861065, MONDO:0013412, OMIM 613765.
Tibial muscular dystrophy (TMD). Also called: Tibial muscular dystrophy, tardive; UDD MYOPATHY; Udd Distal Myopathy – Tibial Muscular Dystrophy. Identifiers: Orphanet 609, MedGen C1838244, MONDO:0010870, OMIM 600334.
Myopathy, myofibrillar, 9, with early respiratory failure (MFM9). Also called: MYOPATHY, PROXIMAL, WITH EARLY RESPIRATORY MUSCLE INVOLVEMENT; Myopathy, distal, with early respiratory failure, autosomal dominant; Hereditary myopathy with early respiratory failure; EDSTROM MYOPATHY. Identifiers: Orphanet 178464, Orphanet 34521, MedGen C1863599, MONDO:0011362, OMIM 603689.
Early-onset myopathy with fatal cardiomyopathy (CMYO5). Also called: CONGENITAL MYOPATHY 5 WITH CARDIOMYOPATHY; Salih Myopathy. Identifiers: Orphanet 289377, MedGen C2673677, MONDO:0012714, OMIM 611705. Disease mechanism: loss of function.
Dilated cardiomyopathy 1G (CMD1G). Identifiers: Orphanet 154, MedGen C1858763, MONDO:0011400, OMIM 604145.
Autosomal recessive limb-girdle muscular dystrophy type 2J (LGMDR10). Also called: Limb-girdle muscular dystrophy, type 2J; MUSCULAR DYSTROPHY, LIMB-GIRDLE, AUTOSOMAL RECESSIVE 10. Identifiers: Orphanet 140922, MedGen C1837342, MONDO:0012127, OMIM 608807.

Allele frequency attached by ClinVar (database versions not stated): gnomAD exomes below 0.00001 and 0.00001; gnomAD 0.00001; TOPMed 0.00001.
gnomAD v4.1: 22 of 1,612,948 alleles (0.0014%); highest among the groups gnomAD compares: Non-Finnish European, 0.0019%; no homozygotes.

Submissions (3):

Department of Pathology and Laboratory Medicine, Sinai Health System
Classification: Uncertain significance for Tibial muscular dystrophy; Myopathy, myofibrillar, 9, with early respiratory failure; Dilated cardiomyopathy 1G; Autosomal recessive limb-girdle muscular dystrophy type 2J; Early-onset myopathy with fatal cardiomyopathy; Hypertrophic cardiomyopathy 9. Last evaluated: 2022-02-15. Review status: criteria provided, single submitter. Criteria: ACMG Guidelines, 2015. Collection method: research. Allele origin: germline.

GeneDx
Classification: Uncertain significance. Last evaluated: 2017-09-06. Review status: criteria provided, single submitter. Criteria: GeneDx Variant Classification (06012015). Collection method: clinical testing. Allele origin: germline. Affected: yes.
Comment: A variant of uncertain significance has been identified in the TTN gene. The F6597L variant has been reported in one patient with DCM, however, this patient also harbored a nonsense variant in the TTN gene (Pugh et al., 2014). The F5670L variant is not observed in large population cohorts (Lek et al., 2016; 1000 Genomes Consortium et al., 2015; Exome Variant Server). In silico analysis predicts this variant is probably damaging to the protein structure/function. However, the F5670L variant is a conservative amino acid substitution, which is not likely to impact secondary protein structure as these residues share similar properties. This substitution occurs at a position that is not conserved across species and where leucine (L) is present as the wild type in at least two species. Finally, this is a missense variant in a gene in which most reported pathogenic variants associated with cardiomyopathy are truncating/loss-of-function (Stenson et al., 2014).

Laboratory for Molecular Medicine, Mass General Brigham Personalized Medicine
Classification: Uncertain significance. Last evaluated: 2013-07-05. Review status: criteria provided, single submitter. Criteria: LMM Criteria. Collection method: clinical testing. Allele origin: germline. Observed: 2 variant alleles.
Comment: Phenylalanine (Phe) at position 5670 is not well conserved in evolution and 2 species (chicken and lizard) carry a leucine (Leu; this variant) at this position, suggesting that this change may be tolerated. Other computati onal analyses (biochemical amino acid properties, AlignGVGD, PolyPhen, and SIFT) do not provide strong support for or against an impact to the protein. At this time, additional information is needed to fully assess the clinical significance of the Phe5670Leu variant.